The following is an entry in ClinVar:

ClinVar aggregate classification (germline): Conflicting classifications of pathogenicity. Review status: criteria provided, conflicting classifications (1 of 4 stars). 5 submissions from 5 submitters: Uncertain significance (1); Likely benign (3). 1 of the submissions does not count toward it. Last evaluated 2026-01-28.

Conditions:
Kleefstra syndrome 1 (KLEFS1). Identifiers: Orphanet 261494, MedGen C0795833, MONDO:0027407, OMIM 610253.
EHMT1-related disorder. Also called: EHMT1-related condition.
Inborn genetic diseases. Identifiers: MedGen C0950123, MeSH D030342.

Allele frequency attached by ClinVar (database versions not stated): ExAC 0.00001; gnomAD exomes 0.00001; gnomAD 0.00011; 1000 Genomes Project 30x 0.00016; 1000 Genomes Project 0.00020; TOPMed 0.00023.
gnomAD v4.1: 26 of 1,613,316 alleles (0.0016%); highest among the groups gnomAD compares: Admixed American, 0.033%; no homozygotes.

Submissions (5):

Labcorp Genetics (formerly Invitae), Labcorp
Classification: Likely benign for Kleefstra syndrome 1. Last evaluated: 2026-01-28. Review status: criteria provided, single submitter. Criteria: Invitae Variant Classification Sherloc (09022015). Collection method: clinical testing. Allele origin: germline.

GeneDx
Classification: Likely benign. Last evaluated: 2020-11-11. Review status: criteria provided, single submitter. Criteria: GeneDx Variant Classification Process June 2021. Collection method: clinical testing. Allele origin: germline. Affected: yes.

Ambry Genetics
Classification: Likely benign for Inborn genetic diseases. Last evaluated: 2019-03-29. Review status: criteria provided, single submitter. Criteria: Ambry Variant Classification Scheme 2023. Collection method: clinical testing. Allele origin: germline.

Eurofins Ntd Llc (ga)
Classification: Uncertain significance. Last evaluated: 2014-05-23. Review status: criteria provided, single submitter. Criteria: EGL Classification Definitions 2015. Collection method: clinical testing. Allele origin: germline.

PreventionGenetics, part of Exact Sciences
Classification: Likely benign for EHMT1-related condition. Last evaluated: 2023-10-23. Review status: no assertion criteria provided. Collection method: clinical testing. Allele origin: germline. Not counted in ClinVar's aggregate classification.
Comment: This variant is classified as likely benign based on ACMG/AMP sequence variant interpretation guidelines (Richards et al. 2015 PMID: 25741868, with internal and published modifications).

NM_024757.5(EHMT1):c.298G>A (p.Asp100Asn)

Gene: EHMT1 (euchromatic histone lysine methyltransferase 1; plus strand). Cytogenetic location: 9q34.3.
Variant type: single nucleotide variant.
Coding change: c.298G>A on transcript NM_024757.5 (MANE Select); coding-DNA position 298, G replaced by A.
Protein change: p.Asp100Asn; replaces aspartic acid 100 with asparagine.
Molecular consequence: missense variant.
Genome position (GRCh38, 1-based): chr9:137,716,838, G>A. VCF-style: chr9-137716838-G-A. GRCh37 (hg19) VCF-style: chr9-140611290-G-A.
Other names: c.298G>A, p.Asp100Asn (NM_001145527.2, NM_001354263.2, NM_001354611.2); c.205G>A, p.Asp69Asn (NM_001354259.2, NM_001354612.2); short protein forms D100N, D69N.
Identifiers: ClinVar variation 196523 (VCV000196523.22), dbSNP rs540121859, ClinGen allele CA243501.
Genomic context (GRCh38, chr9:137,716,838, plus strand): 5'-AACCCCCAGGATGGCACCAACACACTAACTCGGATAGCGGAAAATGGGGTTTCAGAAAGA[G>A]ACTCAGAAGCGGCGAAGCAAAACCACGTCACTGCCGACGACTTTGTGCAGACTTCTGTCA-3'
Protein context (NP_079033.4, residues 90-110): RIAENGVSER[Asp100Asn]SEAAKQNHVT